The following is an entry in ClinVar:

ClinVar aggregate classification (germline): Uncertain significance (1 of 4 stars; one submission).

Allele frequency attached by ClinVar (database versions not stated): gnomAD exomes below 0.00001; TOPMed 0.00001.

Submission:

Labcorp Genetics (formerly Invitae), Labcorp
Classification: Uncertain significance. Last evaluated: 2021-12-13. Review status: criteria provided, single submitter. Criteria: Invitae Variant Classification Sherloc (09022015). Collection method: clinical testing. Allele origin: germline.
Comment: In summary, the available evidence is currently insufficient to determine the role of this variant in disease. Therefore, it has been classified as a Variant of Uncertain Significance. Algorithms developed to predict the effect of missense changes on protein structure and function are either unavailable or do not agree on the potential impact of this missense change (SIFT: "Deleterious"; PolyPhen-2: "Benign"; Align-GVGD: "Class C65"). This variant has not been reported in the literature in individuals affected with GPR45-related conditions. This variant is not present in population databases (gnomAD no frequency). This sequence change replaces methionine, which is neutral and non-polar, with threonine, which is neutral and polar, at codon 41 of the GPR45 protein (p.Met41Thr).

NM_007227.3(GPR45):c.122T>C (p.Met41Thr)

Gene: GPR45 (G protein-coupled receptor 45; plus strand). Cytogenetic location: 2q12.1.
Variant type: single nucleotide variant.
Coding change: c.122T>C on transcript NM_007227.3 (MANE Select); coding-DNA position 122, T replaced by C.
Protein change: p.Met41Thr; replaces methionine 41 with threonine.
Molecular consequence: missense variant.
Genome position (GRCh38, 1-based): chr2:105,241,980, T>C. VCF-style: chr2-105241980-T-C. GRCh37 (hg19) VCF-style: chr2-105858437-T-C.
Other names: short protein forms M41T.
Identifiers: ClinVar variation 1956666 (VCV001956666.5), dbSNP rs1190555389, ClinGen allele CA348099376.
Genomic context (GRCh38, chr2:105,241,980, plus strand): 5'-CCTCAGACTCGGGGTCCACCCAGTTGCCCGCACCCCTCAGGATCTCCTTGGCCATAGTGA[T>C]GCTGCTGATGACCGTGGTGGGGTTCCTGGGCAACACTGTGGTCTGCATCATCGTGTACCA-3'
Protein context (NP_009158.3, residues 31-51): APLRISLAIV[Met41Thr]LLMTVVGFLG